The following is an entry in ClinVar:

ClinVar aggregate classification (germline): Uncertain significance. Review status: criteria provided, multiple submitters, no conflicts (2 of 4 stars). 3 submissions from 3 submitters: Uncertain significance (3). Last evaluated 2024-04-01.

Conditions:
Cardiovascular phenotype. Identifiers: MedGen CN230736.

Allele frequency attached by ClinVar (database versions not stated): 1000 Genomes Project 30x 0.00016.
gnomAD v4.1: 23 of 1,582,102 alleles (0.0015%); highest among the groups gnomAD compares: South Asian, 0.023%; no homozygotes.

Submissions (3):

CeGaT Center for Human Genetics Tuebingen
Classification: Uncertain significance. Last evaluated: 2024-04-01. Review status: criteria provided, single submitter. Criteria: CeGaT Center For Human Genetics Tuebingen Variant Classification Criteria Version 2. Collection method: clinical testing. Allele origin: germline. Affected: yes. Observed: 1 variant allele.

Blueprint Genetics
Classification: Uncertain significance. Last evaluated: 2023-12-08. Review status: criteria provided, single submitter. Criteria: ACMG Guidelines, 2015. Collection method: clinical testing. Allele origin: germline.

Ambry Genetics
Classification: Uncertain significance for Cardiovascular phenotype. Last evaluated: 2022-04-09. Review status: criteria provided, single submitter. Criteria: Ambry Variant Classification Scheme 2023. Collection method: clinical testing. Allele origin: germline.
Comment: The p.P599R variant (also known as c.1796C>G), located in coding exon 4 of the JPH2 gene, results from a C to G substitution at nucleotide position 1796. The proline at codon 599 is replaced by arginine, an amino acid with dissimilar properties. This amino acid position is conserved. In addition, this alteration is predicted to be tolerated by in silico analysis. Since supporting evidence is limited at this time, the clinical significance of this alteration remains unclear.

NM_020433.5(JPH2):c.1796C>G (p.Pro599Arg)

Gene: JPH2 (junctophilin 2; minus strand). Cytogenetic location: 20q13.12.
Variant type: single nucleotide variant.
Coding change: c.1796C>G on transcript NM_020433.5 (MANE Select); coding-DNA position 1796, C replaced by G.
Protein change: p.Pro599Arg; replaces proline 599 with arginine.
Molecular consequence: missense variant.
Genome position (GRCh38, 1-based): chr20:44,115,879, G>C on the plus strand (C>G on the coding strand, the complement: JPH2 is on the minus strand). VCF-style: chr20-44115879-G-C. GRCh37 (hg19) VCF-style: chr20-42744519-G-C.
Other names: short protein forms P599R.
Identifiers: ClinVar variation 1780264 (VCV001780264.23), dbSNP rs770986432, ClinGen allele CA9868601.